The following is an entry in ClinVar:

ClinVar aggregate classification (germline): Conflicting classifications of pathogenicity. Review status: criteria provided, conflicting classifications (1 of 4 stars). 3 submissions from 3 submitters: Uncertain significance (2); Likely benign (1). Last evaluated 2025-12-16.

Conditions:
KBG syndrome (KBGS). Also called: ANKRD11-Related KBG Syndrome. Identifiers: Orphanet 2332, MedGen C0220687, MONDO:0007846, OMIM 148050.
Inborn genetic diseases. Identifiers: MedGen C0950123, MeSH D030342.

Allele frequency attached by ClinVar (database versions not stated): gnomAD 0.00001; gnomAD exomes 0.00001; TOPMed 0.00002; ExAC 0.00003.
gnomAD v4.1: 20 of 1,613,534 alleles (0.0012%); highest among the groups gnomAD compares: South Asian, 0.0033%; no homozygotes.

Submissions (3):

Labcorp Genetics (formerly Invitae), Labcorp
Classification: Uncertain significance for KBG syndrome. Last evaluated: 2025-12-16. Review status: criteria provided, single submitter. Criteria: Invitae Variant Classification Sherloc (09022015). Collection method: clinical testing. Allele origin: germline.
Comment: This sequence change replaces arginine, which is basic and polar, with glutamine, which is neutral and polar, at codon 472 of the ANKRD11 protein (p.Arg472Gln). This variant is present in population databases (rs777453130, gnomAD 0.006%). This variant has not been reported in the literature in individuals affected with ANKRD11-related conditions. ClinVar contains an entry for this variant (Variation ID: 1955343). Invitae Evidence Modeling of protein sequence and biophysical properties (such as structural, functional, and spatial information, amino acid conservation, physicochemical variation, residue mobility, and thermodynamic stability) indicates that this missense variant is not expected to disrupt ANKRD11 protein function with a negative predictive value of 95%. In summary, the available evidence is currently insufficient to determine the role of this variant in disease. Therefore, it has been classified as a Variant of Uncertain Significance.

Ambry Genetics
Classification: Likely benign for Inborn genetic diseases. Last evaluated: 2025-07-11. Review status: criteria provided, single submitter. Criteria: Ambry Variant Classification Scheme 2023. Collection method: clinical testing. Allele origin: germline.

Women's Health and Genetics/Laboratory Corporation of America, LabCorp
Classification: Uncertain significance. Last evaluated: 2023-10-26. Review status: criteria provided, single submitter. Criteria: LabCorp Variant Classification Summary - May 2015. Collection method: clinical testing. Allele origin: germline.
Comment: Variant summary: ANKRD11 c.1415G>A (p.Arg472Gln) results in a conservative amino acid change in the encoded protein sequence. Four of five in-silico tools predict a benign effect of the variant on protein function. The variant allele was found at a frequency of 1.6e-05 in 248606 control chromosomes (gnomAD). The available data on variant occurrences in the general population are insufficient to allow any conclusion about variant significance. To our knowledge, no occurrence of c.1415G>A in individuals affected with KBG Syndrome and no experimental evidence demonstrating its impact on protein function have been reported. One submitter has cited a clinical-significance assessment for this variant to ClinVar after 2014 and has classified the variant as uncertain significance. Based on the evidence outlined above, the variant was classified as uncertain significance.

NM_013275.6(ANKRD11):c.1415G>A (p.Arg472Gln)

Gene: ANKRD11 (ankyrin repeat domain 11; minus strand). Cytogenetic location: 16q24.3.
Variant type: single nucleotide variant.
Coding change: c.1415G>A on transcript NM_013275.6 (MANE Select); coding-DNA position 1415, G replaced by A.
Protein change: p.Arg472Gln; replaces arginine 472 with glutamine.
Molecular consequence: missense variant.
Genome position (GRCh38, 1-based): chr16:89,285,127, C>T on the plus strand (G>A on the coding strand, the complement: ANKRD11 is on the minus strand). VCF-style: chr16-89285127-C-T. GRCh37 (hg19) VCF-style: chr16-89351535-C-T.
Other names: c.1415G>A, p.Arg472Gln (NM_001256182.2, NM_001256183.2); c.1415G>A (NM_013275.4); short protein forms R472Q.
Identifiers: ClinVar variation 1955343 (VCV001955343.7), dbSNP rs777453130, ClinGen allele CA8242780.